The following is an entry in ClinVar:

ClinVar aggregate classification (germline): Uncertain significance (1 of 4 stars; one submission).

Conditions:
Hereditary cancer-predisposing syndrome. Also called: Neoplastic Syndromes, Hereditary; Tumor predisposition; Hereditary Cancer Syndrome; Hereditary neoplastic syndrome. Identifiers: Orphanet 140162, MedGen C0027672, MeSH D009386, MONDO:0015356.

Submission:

Ambry Genetics
Classification: Uncertain significance for Hereditary cancer-predisposing syndrome. Last evaluated: 2026-05-16. Review status: criteria provided, single submitter. Criteria: Ambry Variant Classification Scheme 2023. Collection method: clinical testing. Allele origin: germline.
Comment: The p.G1089R variant (also known as c.3265G>C), located in coding exon 21 of the TSC1 gene, results from a G to C substitution at nucleotide position 3265. The glycine at codon 1089 is replaced by arginine, an amino acid with dissimilar properties. This amino acid position is conserved. In addition, this alteration is predicted to be deleterious by in silico analysis. Based on the available evidence, the clinical significance of this variant remains unclear.

NM_000368.5(TSC1):c.3265G>C (p.Gly1089Arg)

Gene: TSC1 (TSC complex subunit 1; minus strand). Cytogenetic location: 9q34.13.
Variant type: single nucleotide variant.
Coding change: c.3265G>C on transcript NM_000368.5 (MANE Select); coding-DNA position 3265, G replaced by C.
Protein change: p.Gly1089Arg; replaces glycine 1089 with arginine.
Molecular consequence: missense variant. On other transcripts: non-coding transcript variant (5).
Genome position (GRCh38, 1-based): chr9:132,896,465, C>G on the plus strand (G>C on the coding strand, the complement: TSC1 is on the minus strand). VCF-style: chr9-132896465-C-G. GRCh37 (hg19) VCF-style: chr9-135771852-C-G.
Other names: c.3265G>C, p.Gly1089Arg (NM_001406595.1, NM_001406596.1, NM_001406592.1 and 2 more transcripts); c.3262G>C, p.Gly1088Arg (NM_001406597.1, NM_001406598.1, NM_001406599.1 and 2 more transcripts); c.3250G>C, p.Gly1084Arg (NM_001406601.1, NM_001406602.1); c.3247G>C, p.Gly1083Arg (NM_001406603.1, NM_001406604.1); c.3223G>C, p.Gly1075Arg (NM_001406605.1, NM_001406606.1, NM_001406607.1); c.3220G>C, p.Gly1074Arg (NM_001406608.1, NM_001406609.1); c.3112G>C, p.Gly1038Arg (NM_001406610.1, NM_001162427.2); c.3109G>C, p.Gly1037Arg (NM_001406611.1, NM_001406612.1); and 8 more; short protein forms G1023R, G1037R, G1038R, G1074R, G1075R, G1083R, G1084R, G1088R.
Identifiers: ClinVar variation 4866038 (VCV004866038.1).